The following is an entry in ClinVar:

NM_002485.5(NBN):c.896+5A>T

Gene: NBN (nibrin; minus strand). Cytogenetic location: 8q21.3.
Variant type: single nucleotide variant.
Coding change: c.896+5A>T on transcript NM_002485.5 (MANE Select); 5 bases into the intron after coding-DNA position 896, A replaced by T.
Molecular consequence: intron variant.
Genome position (GRCh38, 1-based): chr8:89,970,359, T>A on the plus strand (A>T on the coding strand, the complement: NBN is on the minus strand). VCF-style: chr8-89970359-T-A. GRCh37 (hg19) VCF-style: chr8-90982587-T-A.
Other names: c.650+5A>T (NM_001024688.3).
Identifiers: ClinVar variation 3403062 (VCV003403062.1).

ClinVar aggregate classification (germline): Uncertain significance (1 of 4 stars; one submission).

Conditions:
Hereditary cancer-predisposing syndrome. Also called: Hereditary Cancer Syndrome; Tumor predisposition; Hereditary neoplastic syndrome; Neoplastic Syndromes, Hereditary. Identifiers: Orphanet 140162, MedGen C0027672, MeSH D009386, MONDO:0015356.

Submission:

Ambry Genetics
Classification: Uncertain significance for Hereditary cancer-predisposing syndrome. Last evaluated: 2024-09-06. Review status: criteria provided, single submitter. Criteria: Ambry Variant Classification Scheme 2023. Collection method: clinical testing. Allele origin: germline.
Comment: The c.896+5A>T intronic variant results from an A to T substitution 5 nucleotides after coding exon 7 in the NBN gene. This nucleotide position is well conserved in available vertebrate species. In silico splice site analysis predicts that this alteration will not have any significant effect on splicing. Based on the available evidence, the clinical significance of this variant remains unclear.